The following is an entry in ClinVar:

NM_001100913.3(PACS2):c.2705C>T (p.Ala902Val)

Gene: PACS2 (phosphofurin acidic cluster sorting protein 2; plus strand). Cytogenetic location: 14q32.33.
Variant type: single nucleotide variant.
Coding change: c.2705C>T on transcript NM_001100913.3 (MANE Select); coding-DNA position 2705, C replaced by T.
Protein change: p.Ala902Val; replaces alanine 902 with valine.
Molecular consequence: missense variant.
Genome position (GRCh38, 1-based): chr14:105,394,662, C>T. VCF-style: chr14-105394662-C-T. GRCh37 (hg19) VCF-style: chr14-105860999-C-T.
Other names: c.2435C>T, p.Ala812Val (NM_001243127.3); c.2660C>T, p.Ala887Val (NM_015197.4); short protein forms A812V, A902V, A887V.
Identifiers: ClinVar variation 3658190 (VCV003658190.2).
Genomic context (GRCh38, chr14:105,394,662, plus strand): 5'-CCGCGCAGTGGTCCTCGCACGTGAAGCACTTCCCCATCTGCATCTTCGGACACTCCAAGG[C>T]CACCTTCTAGCCCCACCCACCAGGGGGCCCACCTCCTGCCCCATGCTGTGAGGGGCCCAG-3'
Protein context (NP_001094383.2, residues 892-904): FPICIFGHSK[Ala902Val]TF

ClinVar aggregate classification (germline): Uncertain significance (1 of 4 stars; one submission).

gnomAD v4.1: 1 of 1,609,402 alleles (0.000062%); highest among the groups gnomAD compares: Non-Finnish European, 0.000085%; no homozygotes.

Submission:

Labcorp Genetics (formerly Invitae), Labcorp
Classification: Uncertain significance. Last evaluated: 2024-06-29. Review status: criteria provided, single submitter. Criteria: Invitae Variant Classification Sherloc (09022015). Collection method: clinical testing. Allele origin: germline.
Comment: This sequence change replaces alanine, which is neutral and non-polar, with valine, which is neutral and non-polar, at codon 902 of the PACS2 protein (p.Ala902Val). This variant is present in population databases (rs782587138, gnomAD 0.0009%). This variant has not been reported in the literature in individuals affected with PACS2-related conditions. Advanced modeling of protein sequence and biophysical properties (such as structural, functional, and spatial information, amino acid conservation, physicochemical variation, residue mobility, and thermodynamic stability) performed at Invitae indicates that this missense variant is not expected to disrupt PACS2 protein function with a negative predictive value of 80%. Algorithms developed to predict the effect of sequence changes on RNA splicing suggest that this variant may create or strengthen a splice site. In summary, the available evidence is currently insufficient to determine the role of this variant in disease. Therefore, it has been classified as a Variant of Uncertain Significance.